The following is an entry in ClinVar:

NM_001267550.2(TTN):c.37906A>T (p.Lys12636Ter)

Gene: TTN (titin; minus strand). Cytogenetic location: 2q31.2.
Variant type: single nucleotide variant.
Coding change: c.37906A>T on transcript NM_001267550.2 (MANE Select); coding-DNA position 37906, A replaced by T.
Protein change: p.Lys12636Ter; replaces lysine 12636 with a stop codon.
Molecular consequence: nonsense. On other transcripts: intron variant (5).
Genome position (GRCh38, 1-based): chr2:178,657,735, T>A on the plus strand (A>T on the coding strand, the complement: TTN is on the minus strand). VCF-style: chr2-178657735-T-A. GRCh37 (hg19) VCF-style: chr2-179522462-T-A.
Other names: c.34522+1270A>T (NM_001256850.1); c.13283-15418A>T (NM_003319.4); c.13859-15418A>T (NM_133437.4); c.13658-15418A>T (NM_133432.3); c.31741+1270A>T (NM_133378.4); c.37906A>T (NM_001267550.1); short protein forms K12636*.
Identifiers: ClinVar variation 489358 (VCV000489358.5), dbSNP rs1332772993, ClinGen allele CA349481709.
Genomic context (GRCh38, chr2:178,657,735, plus strand): 5'-AATGACAAGTACCTGTAACAGGTGGAACTTCTGGCTTTTTAGGAAGCACCAGTGTTTTCT[T>A]TTCTGGCACAATTTCTTGTGGGACTTCAGGCACTTGAAAGATATTAGTAGTTTTTCACTT-3'

ClinVar aggregate classification (germline): Pathogenic (1 of 4 stars; one submission).

Allele frequency attached by ClinVar (database versions not stated): TOPMed 0.00001.

Submission:

GeneDx
Classification: Pathogenic. Last evaluated: 2022-05-20. Review status: criteria provided, single submitter. Criteria: GeneDx Variant Classification Process June 2021. Collection method: clinical testing. Allele origin: germline. Affected: yes.
Comment: Nonsense variant predicted to result in protein truncation or nonsense mediated decay in a gene for which loss-of-function is a known mechanism of disease; Not observed at significant frequency in large population cohorts (gnomAD); Has not been previously published as pathogenic or benign to our knowledge; Located in a region of TTN in which the majority of pathogenic variants have been reported in association with autosomal recessive titinopathies (Fernandez-Marmiesse et al., 2017; Chervinsky et al., 2018; Bryen, et al., 2020; Savarese et al., 2020); This variant is associated with the following publications: (PMID: 28040389, 29575618, 31660661, 32778822)